The following is an entry in ClinVar:

ClinVar aggregate classification (germline): Uncertain significance (1 of 4 stars; one submission).

Conditions:
Inherited obesity. Also called: Monogenic Obesity. Identifiers: Orphanet 77828, MedGen C4054476, MONDO:0019182, OMIM 601665.

Allele frequency attached by ClinVar (database versions not stated): gnomAD exomes 0.00001.

Submission:

Genetics and Molecular Pathology, SA Pathology
Classification: Uncertain significance for Inherited obesity. Last evaluated: 2021-03-16. Review status: criteria provided, single submitter. Criteria: ACMG Guidelines, 2015. Collection method: clinical testing. Allele origin: germline. Affected: yes.
Comment: The PPARG c.168C>G variant is classified as VUS due to insufficient scientific evidence.

NM_138711.6(PPARG):c.78C>G (p.His26Gln)

Gene: PPARG (peroxisome proliferator activated receptor gamma; plus strand). Cytogenetic location: 3p25.2.
Variant type: single nucleotide variant.
Coding change: c.78C>G on transcript NM_138711.6 (MANE Select); coding-DNA position 78, C replaced by G.
Protein change: p.His26Gln; replaces histidine 26 with glutamine.
Molecular consequence: missense variant. On other transcripts: 5 prime UTR variant (1).
Genome position (GRCh38, 1-based): chr3:12,379,789, C>G. VCF-style: chr3-12379789-C-G. GRCh37 (hg19) VCF-style: chr3-12421288-C-G.
Other names: c.78C>G, p.His26Gln (NM_001330615.4, NM_001354666.3, NM_001354667.3 and 6 more transcripts); c.168C>G, p.His56Gln (NM_001354668.2, NM_001374265.1, NM_015869.5); c.-350C>G (NM_001354669.2); c.84C>G, p.His28Gln (NM_001354670.2, NM_001374266.1); short protein forms H26Q, H28Q, H56Q.
Identifiers: ClinVar variation 2664791 (VCV002664791.1), dbSNP rs1187225480, ClinGen allele CA351617515.